The following is an entry in ClinVar:

ClinVar aggregate classification (germline): Benign. Review status: criteria provided, multiple submitters, no conflicts (2 of 4 stars). 7 submissions from 6 submitters: Benign (7). Last evaluated 2026-02-04.

Conditions:
Junctional epidermolysis bullosa, non-Herlitz type. Also called: Epidermolysis bullosa, junctional, non-herlitz type, somatic mosaic revertant; EPIDERMOLYSIS BULLOSA JUNCTIONALIS, DISENTIS TYPE; EPIDERMOLYSIS BULLOSA JUNCTIONALIS, NON-HERLITZ TYPE; EPIDERMOLYSIS BULLOSA JUNCTIONALIS, PROGRESSIVE; EPIDERMOLYSIS BULLOSA JUNCTIONALIS, SEVERE NONLETHAL; COL17A1-Related Junctional Epidermolysis Bullosa. Identifiers: Orphanet 251393, Orphanet 79402, Orphanet 79405, Orphanet 89840, MedGen C0268374, MONDO:0009180, OMIM 226650.
Junctional epidermolysis bullosa gravis of Herlitz. Also called: EPIDERMOLYSIS BULLOSA JUNCTIONALIS, HERLITZ TYPE; EPIDERMOLYSIS BULLOSA, JUNCTIONAL, HERLITZ-PEARSON TYPE; JEB-HERLITZ TYPE; Herlitz-type junctional epidermolysis bullosa; Epidermolysis Bullosa Letalis; EPIDERMOLYSIS BULLOSA, JUNCTIONAL 1B, SEVERE. Identifiers: Orphanet 79404, MedGen C0079683, MONDO:0009182, OMIM 226700.

Allele frequency attached by ClinVar (database versions not stated): ESP Exome Variant Server 0.95184; gnomAD 0.95488 and 0.95733; ExAC 0.95669; gnomAD exomes 0.95744 and 0.93580; TOPMed 0.96018; 1000 Genomes Project 30x 0.98220; 1000 Genomes Project 0.98363.

Submissions (7):

Labcorp Genetics (formerly Invitae), Labcorp
Classification: Benign. Last evaluated: 2026-02-04. Review status: criteria provided, single submitter. Criteria: Invitae Variant Classification Sherloc (09022015). Collection method: clinical testing. Allele origin: germline.

Blueprint Genetics
Classification: Benign. Last evaluated: 2024-11-26. Review status: criteria provided, single submitter. Criteria: ACMG Guidelines, 2015. Collection method: clinical testing. Allele origin: germline.

Genome-Nilou Lab
Classification: Benign for Junctional epidermolysis bullosa gravis of Herlitz. Last evaluated: 2021-08-19. Review status: criteria provided, single submitter. Criteria: ACMG Guidelines, 2015. Collection method: clinical testing. Allele origin: germline. Affected: no.

Genome-Nilou Lab
Classification: Benign for Junctional epidermolysis bullosa, non-Herlitz type. Last evaluated: 2021-08-19. Review status: criteria provided, single submitter. Criteria: ACMG Guidelines, 2015. Collection method: clinical testing. Allele origin: germline. Affected: no.

Women's Health and Genetics/Laboratory Corporation of America, LabCorp
Classification: Benign. Last evaluated: 2016-12-05. Review status: criteria provided, single submitter. Criteria: LabCorp Variant Classification Summary - May 2015. Collection method: clinical testing. Allele origin: germline.
Comment: Variant summary: The LAMB3 c.2702-12dupG variant involves the alteration of a non-conserved intronic nucleotide. Mutation Taster predicts a benign outcome for this variant. In addition, 4/5 splice prediction tools predict no significant impact on normal splicing. This variant was found in 114615/119804 control chromosomes (including 54857 homozygotes) at a frequency of 0.9566876, which is approximately 1027 times the estimated maximal expected allele frequency of a pathogenic LAMB3 variant (0.0009317), thus this variant is a benign polymorphism and allele dupG is the major allele at this cDNA position. In addition, a clinical diagnostic laboratory has also classified this variant as benign. Taken together, this variant is classified as Benign.

GeneDx
Classification: Benign. Last evaluated: 2015-03-03. Review status: criteria provided, single submitter. Criteria: GeneDx Variant Classification Process June 2021. Collection method: clinical testing. Allele origin: germline. Affected: yes.

PreventionGenetics, part of Exact Sciences
Classification: Benign. Review status: criteria provided, single submitter. Criteria: ACMG Guidelines, 2015. Collection method: clinical testing. Allele origin: germline.

NM_000228.3(LAMB3):c.2702-12dup

Gene: LAMB3 (laminin subunit beta 3; minus strand). Cytogenetic location: 1q32.2.
Variant type: Duplication.
Coding change: c.2702-12dup on transcript NM_000228.3 (MANE Select); 12 bases into the intron before coding-DNA position 2702, one base duplicated (G; older notation c.2702-12dupG).
Molecular consequence: intron variant.
Genome position (GRCh38, 1-based): chr1:209,618,671, C duplicated on the plus strand (G on the coding strand, the reverse complement: LAMB3 is on the minus strand). VCF-style (leftmost placement, unchanged base first): chr1-209618670-A-AC. GRCh37 (hg19) VCF-style: chr1-209792015-A-AC.
Other names: c.2702-12dup (NM_001127641.1, NM_001017402.2).
Identifiers: ClinVar variation 255590 (VCV000255590.17), dbSNP rs397807887, ClinGen allele CA1375114.